The following is an entry in ClinVar:

ClinVar aggregate classification (germline): Uncertain significance. Review status: criteria provided, multiple submitters, no conflicts (2 of 4 stars). 2 submissions from 2 submitters: Uncertain significance (2). Last evaluated 2024-08-24.

Conditions:
Arrhythmogenic right ventricular dysplasia 8 (ARVD8). Also called: ARRHYTHMOGENIC RIGHT VENTRICULAR DYSPLASIA, FAMILIAL, 8; ARRHYTHMOGENIC RIGHT VENTRICULAR CARDIOMYOPATHY 8; Arrhythmogenic Right Ventricular Dysplasia/Cardiomyopathy 8. Identifiers: MedGen C1843896, MONDO:0011831, OMIM 607450.
Arrhythmogenic cardiomyopathy with wooly hair and keratoderma. Also called: Dilated cardiomyopathy with woolly hair and keratoderma; Carvajal syndrome; PALMOPLANTAR KERATODERMA WITH LEFT VENTRICULAR CARDIOMYOPATHY AND WOOLLY HAIR; Arrhythmogenic cardiomyopathy with woolly hair and keratoderma. Identifiers: Orphanet 65282, MedGen C1854063, MONDO:0011581, OMIM 605676.

Submissions (2):

Labcorp Genetics (formerly Invitae), Labcorp
Classification: Uncertain significance for Arrhythmogenic cardiomyopathy with wooly hair and keratoderma; Arrhythmogenic right ventricular dysplasia 8. Last evaluated: 2024-08-24. Review status: criteria provided, single submitter. Criteria: Invitae Variant Classification Sherloc (09022015). Collection method: clinical testing. Allele origin: germline.
Comment: This sequence change replaces threonine, which is neutral and polar, with serine, which is neutral and polar, at codon 1522 of the DSP protein (p.Thr1522Ser). This variant is not present in population databases (gnomAD no frequency). This variant has not been reported in the literature in individuals affected with DSP-related conditions. ClinVar contains an entry for this variant (Variation ID: 1043803). An algorithm developed to predict the effect of missense changes on protein structure and function outputs the following: PolyPhen-2: "Benign". The serine amino acid residue is found in multiple mammalian species, which suggests that this missense change does not adversely affect protein function. In summary, the available evidence is currently insufficient to determine the role of this variant in disease. Therefore, it has been classified as a Variant of Uncertain Significance.

GeneDx
Classification: Uncertain significance. Last evaluated: 2019-03-25. Review status: criteria provided, single submitter. Criteria: GeneDx Variant Classification Process June 2021. Collection method: clinical testing. Allele origin: germline. Affected: yes.
Comment: Not observed in large population cohorts (Lek et al., 2016); In silico analysis, which includes protein predictors and evolutionary conservation, supports that this variant does not alter protein structure/function; Has not been previously published as pathogenic or benign to our knowledge

NM_004415.4(DSP):c.4564A>T (p.Thr1522Ser)

Gene: DSP (desmoplakin; plus strand). Cytogenetic location: 6p24.3.
Variant type: single nucleotide variant.
Coding change: c.4564A>T on transcript NM_004415.4 (MANE Select); coding-DNA position 4564, A replaced by T.
Protein change: p.Thr1522Ser; replaces threonine 1522 with serine.
Molecular consequence: missense variant. On other transcripts: intron variant (2).
Genome position (GRCh38, 1-based): chr6:7,580,754, A>T. VCF-style: chr6-7580754-A-T. GRCh37 (hg19) VCF-style: chr6-7580987-A-T.
Other names: c.4050+514A>T (NM_001319034.2); c.3582+982A>T (NM_001008844.3); short protein forms T1522S.
Identifiers: ClinVar variation 1043803 (VCV001043803.9), dbSNP rs1759406838, ClinGen allele CA362686592.
Genomic context (GRCh38, chr6:7,580,754, plus strand): 5'-GATGAAAACGCGAGATTACAAAGGGTCCAGTATGACCTGCAGAAAGCAAACAGTAGTGCG[A>T]CGGAGACAATAAACAAACTGAAGGTTCAGGAGCAAGAACTGACACGCCTGAGGATCGACT-3'
Protein context (NP_004406.2, residues 1512-1532): YDLQKANSSA[Thr1522Ser]ETINKLKVQE